The following is an entry in ClinVar:

NM_053013.4(ENO3):c.469T>G (p.Ser157Ala)

Gene: ENO3 (enolase 3; plus strand). Cytogenetic location: 17p13.2.
Variant type: single nucleotide variant.
Coding change: c.469T>G on transcript NM_053013.4 (MANE Select); coding-DNA position 469, T replaced by G.
Protein change: p.Ser157Ala; replaces serine 157 with alanine.
Molecular consequence: missense variant.
Genome position (GRCh38, 1-based): chr17:4,955,099, T>G. VCF-style: chr17-4955099-T-G. GRCh37 (hg19) VCF-style: chr17-4858394-T-G.
Other names: c.340T>G, p.Ser114Ala (NM_001193503.2); c.469T>G, p.Ser157Ala (NM_001374523.1, NM_001976.5); c.496T>G, p.Ser166Ala (NM_001374524.1); short protein forms S166A, S114A, S157A.
Identifiers: ClinVar variation 2118018 (VCV002118018.4), dbSNP rs919480583, ClinGen allele CA397289787.
Genomic context (GRCh38, chr17:4,955,099, plus strand): 5'-CCCGGCCCAGGTCCAGACACCCTCTCCCCATCTCAGGCCTTCAATGTGATCAACGGGGGC[T>G]CCCATGCTGGAAACAAGCTGGCCATGCAGGAGTTCATGATTCTGCCTGTGGGAGCCAGCT-3'
Protein context (NP_443739.3, residues 147-167): VPAFNVINGG[Ser157Ala]HAGNKLAMQE

ClinVar aggregate classification (germline): Uncertain significance (1 of 4 stars; one submission).

Conditions:
Glycogen storage disease due to muscle beta-enolase deficiency (GSD13). Also called: ENOLASE 3 DEFICIENCY; ENOLASE-BETA DEFICIENCY; GSD XIII; Glycogen Storage Disease Type XIII. Identifiers: Orphanet 99849, MedGen C2752027, MONDO:0013046, OMIM 612932.

Submission:

Labcorp Genetics (formerly Invitae), Labcorp
Classification: Uncertain significance for Glycogen storage disease due to muscle beta-enolase deficiency. Last evaluated: 2022-03-27. Review status: criteria provided, single submitter. Criteria: Invitae Variant Classification Sherloc (09022015). Collection method: clinical testing. Allele origin: germline.
Comment: In summary, the available evidence is currently insufficient to determine the role of this variant in disease. Therefore, it has been classified as a Variant of Uncertain Significance. Algorithms developed to predict the effect of missense changes on protein structure and function are either unavailable or do not agree on the potential impact of this missense change (SIFT: "Tolerated"; PolyPhen-2: "Probably Damaging"; Align-GVGD: "Class C0"). This variant has not been reported in the literature in individuals affected with ENO3-related conditions. This variant is not present in population databases (gnomAD no frequency). This sequence change replaces serine, which is neutral and polar, with alanine, which is neutral and non-polar, at codon 157 of the ENO3 protein (p.Ser157Ala).